The following is an entry in ClinVar:

NM_000271.5(NPC1):c.180+2dup

Gene: NPC1 (NPC intracellular cholesterol transporter 1; minus strand). Cytogenetic location: 18q11.2.
Variant type: Duplication.
Coding change: c.180+2dup on transcript NM_000271.5 (MANE Select); the canonical splice donor site of the intron after coding-DNA position 180, one base duplicated (T; older notation c.180+2dupT).
Molecular consequence: splice donor variant.
Genome position (GRCh38, 1-based): chr18:23,573,450, A duplicated on the plus strand (T on the coding strand, the reverse complement: NPC1 is on the minus strand). VCF-style (leftmost placement, unchanged base first): chr18-23573449-T-TA. GRCh37 (hg19) VCF-style: chr18-21153413-T-TA.
Other names: c.180+2dupT (NM_000271.5).
Identifiers: ClinVar variation 4525936 (VCV004525936.1).
Genomic context (GRCh38, chr18:23,573,449, plus strand): 5'-ATAATTACAGAGGATCTTGTGATCAGCATTTTGTGTTCCCAGTGCCTAAGATAATGAACT[T>TA]ACCTGCACTAAGTCATATCCATCCTTTGGCAATGGTTTTGGTGGGCCAGAATATTCGCAA-3'

ClinVar aggregate classification (germline): Uncertain significance (1 of 4 stars; one submission).

Submission:

Women's Health and Genetics/Laboratory Corporation of America, LabCorp
Classification: Uncertain significance. Last evaluated: 2025-07-14. Review status: criteria provided, single submitter. Criteria: LabCorp Variant Classification Summary - May 2015. Collection method: clinical testing. Allele origin: germline.
Comment: Variant summary: NPC1 c.180+2dupT alters a conserved nucleotide located close to a canonical splice site and therefore could affect mRNA splicing, leading to a significantly altered protein sequence. Several computational tools predict a significant impact on normal splicing: Two predict the variant abolishes a 5' splicing donor site. Two predict the variant weakens a 5' donor site. However, these predictions have yet to be confirmed by functional studies. The variant was absent in 1614132 control chromosomes. The available data on variant occurrences in the general population are insufficient to allow any conclusion about variant significance. To our knowledge, no occurrence of c.180+2dupT in individuals affected with Niemann-Pick Disease Type C and no experimental evidence demonstrating its impact on protein function have been reported. No submitters have cited clinical-significance assessments for this variant to ClinVar. Based on the evidence outlined above, the variant was classified as uncertain significance.